The following is an entry in ClinVar:

ClinVar aggregate classification (germline): Uncertain significance (1 of 4 stars; one submission).

Submission:

Labcorp Genetics (formerly Invitae), Labcorp
Classification: Uncertain significance. Last evaluated: 2025-02-27. Review status: criteria provided, single submitter. Criteria: Invitae Variant Classification Sherloc (09022015). Collection method: clinical testing. Allele origin: germline.
Comment: This sequence change replaces proline, which is neutral and non-polar, with leucine, which is neutral and non-polar, at codon 152 of the PIEZO1 protein (p.Pro152Leu). The frequency data for this variant in the population databases is considered unreliable, as metrics indicate poor data quality at this position in the gnomAD database. This variant has not been reported in the literature in individuals affected with PIEZO1-related conditions. An algorithm developed to predict the effect of missense changes on protein structure and function (PolyPhen-2) suggests that this variant is likely to be tolerated. In summary, the available evidence is currently insufficient to determine the role of this variant in disease. Therefore, it has been classified as a Variant of Uncertain Significance.

NM_001142864.4(PIEZO1):c.455_456inv (p.Pro152Leu)

Gene: PIEZO1 (piezo type mechanosensitive ion channel component 1 (Er blood group); minus strand). Cytogenetic location: 16q24.3.
Variant type: Inversion.
Coding change: c.455_456inv on transcript NM_001142864.4 (MANE Select).
Protein change: p.Pro152Leu; replaces proline 152 with leucine.
Molecular consequence: missense variant.
Genome position: GRCh38 VCF-style: chr16-88741487-TG-CA. GRCh37 (hg19) VCF-style: chr16-88807895-TG-CA.
Other names: short protein forms P152L.
Identifiers: ClinVar variation 3694508 (VCV003694508.2).